The following is an entry in ClinVar:

NM_000127.3(EXT1):c.31C>T (p.Leu11Phe)

Gene: EXT1 (exostosin glycosyltransferase 1; minus strand). Cytogenetic location: 8q24.11.
Variant type: single nucleotide variant.
Coding change: c.31C>T on transcript NM_000127.3 (MANE Select); coding-DNA position 31, C replaced by T.
Protein change: p.Leu11Phe; replaces leucine 11 with phenylalanine.
Molecular consequence: missense variant.
Genome position (GRCh38, 1-based): chr8:118,111,016, G>A on the plus strand (C>T on the coding strand, the complement: EXT1 is on the minus strand). VCF-style: chr8-118111016-G-A. GRCh37 (hg19) VCF-style: chr8-119123255-G-A.
Other names: short protein forms L11F.
Identifiers: ClinVar variation 1383124 (VCV001383124.6), dbSNP rs769143352, ClinGen allele CA371916745.

ClinVar aggregate classification (germline): Uncertain significance (1 of 4 stars; one submission).

Conditions:
Multiple congenital exostosis (EXT). Also called: Hereditary multiple exostoses; Hereditary multiple exostosis; Hereditary multiple osteochondromas; MULTIPLE CARTILAGINOUS EXOSTOSES; Multiple exostoses; Multiple osteochondromas. Identifiers: Orphanet 321, MedGen C0015306, MONDO:0005508, HP:0002762.

Allele frequency attached by ClinVar (database versions not stated): gnomAD exomes below 0.00001.
gnomAD v4.1: 3 of 1,602,644 alleles (0.00019%); highest among the groups gnomAD compares: Middle Eastern, 0.033%; no homozygotes.

Submission:

Labcorp Genetics (formerly Invitae), Labcorp
Classification: Uncertain significance for Multiple congenital exostosis. Last evaluated: 2024-12-19. Review status: criteria provided, single submitter. Criteria: Invitae Variant Classification Sherloc (09022015). Collection method: clinical testing. Allele origin: germline.
Comment: This sequence change replaces leucine, which is neutral and non-polar, with phenylalanine, which is neutral and non-polar, at codon 11 of the EXT1 protein (p.Leu11Phe). This variant is not present in population databases (gnomAD no frequency). This variant has not been reported in the literature in individuals affected with EXT1-related conditions. ClinVar contains an entry for this variant (Variation ID: 1383124). Invitae Evidence Modeling of protein sequence and biophysical properties (such as structural, functional, and spatial information, amino acid conservation, physicochemical variation, residue mobility, and thermodynamic stability) has been performed for this missense variant. However, the output from this modeling did not meet the statistical confidence thresholds required to predict the impact of this variant on EXT1 protein function. In summary, the available evidence is currently insufficient to determine the role of this variant in disease. Therefore, it has been classified as a Variant of Uncertain Significance.